The following is an entry in ClinVar:

ClinVar aggregate classification (germline): Uncertain significance (1 of 4 stars; one submission).

Submission:

GeneDx
Classification: Uncertain significance. Last evaluated: 2022-05-17. Review status: criteria provided, single submitter. Criteria: GeneDx Variant Classification Process June 2021. Collection method: clinical testing. Allele origin: germline. Affected: yes.
Comment: Not observed at significant frequency in large population cohorts (gnomAD); In silico analysis supports that this missense variant has a deleterious effect on protein structure/function; This variant is associated with the following publications: (PMID: 22035731)

NM_000216.4(ANOS1):c.490T>C (p.Cys164Arg)

Gene: ANOS1 (anosmin 1; minus strand). Cytogenetic location: Xp22.31.
Variant type: single nucleotide variant.
Coding change: c.490T>C on transcript NM_000216.4 (MANE Select); coding-DNA position 490, T replaced by C.
Protein change: p.Cys164Arg; replaces cysteine 164 with arginine.
Molecular consequence: missense variant.
Genome position (GRCh38, 1-based): chrX:8,597,085, A>G on the plus strand (T>C on the coding strand, the complement: ANOS1 is on the minus strand). VCF-style: chrX-8597085-A-G. GRCh37 (hg19) VCF-style: chrX-8565126-A-G.
Other names: short protein forms C164R.
Identifiers: ClinVar variation 1800512 (VCV001800512.1), dbSNP rs2518500153, ClinGen allele CA412024897.